The following is an entry in ClinVar:

ClinVar aggregate classification (germline): Conflicting classifications of pathogenicity. Review status: criteria provided, conflicting classifications (1 of 4 stars). 2 submissions from 2 submitters: Likely pathogenic (1); Uncertain significance (1). Last evaluated 2022-07-06.

Conditions:
IMPDH1-related disorder. Also called: IMPDH1-related disorders; IMPDH1-related condition.

Submissions (2):

Labcorp Genetics (formerly Invitae), Labcorp
Classification: Uncertain significance. Last evaluated: 2022-07-06. Review status: criteria provided, single submitter. Criteria: Invitae Variant Classification Sherloc (09022015). Collection method: clinical testing. Allele origin: germline.
Comment: This variant is not present in population databases (gnomAD no frequency). In summary, the available evidence is currently insufficient to determine the role of this variant in disease. Therefore, it has been classified as a Variant of Uncertain Significance. Algorithms developed to predict the effect of missense changes on protein structure and function are either unavailable or do not agree on the potential impact of this missense change (SIFT: "Deleterious"; PolyPhen-2: "Probably Damaging"; Align-GVGD: "Class C15"). ClinVar contains an entry for this variant (Variation ID: 1388602). This missense change has been observed in individual(s) with Leber congenital amaurosis (PMID: 30029497). This sequence change replaces glutamine, which is neutral and polar, with histidine, which is basic and polar, at codon 328 of the IMPDH1 protein (p.Gln328His).

Blueprint Genetics
Classification: Likely pathogenic for IMPDH1-related disorders. Last evaluated: 2021-01-13. Review status: criteria provided, single submitter. Criteria: ACMG Guidelines, 2015. Collection method: clinical testing. Allele origin: germline. Affected: yes. Observed: 1 variant allele.

Literature cited by the submitters: PubMed 30029497 (cited by Labcorp Genetics (formerly Invitae), Labcorp).

NM_000883.4(IMPDH1):c.984G>T (p.Gln328His)

Gene: IMPDH1 (inosine monophosphate dehydrogenase 1; minus strand). Cytogenetic location: 7q32.1.
Variant type: single nucleotide variant.
Coding change: c.984G>T on transcript NM_000883.4 (MANE Select); coding-DNA position 984, G replaced by T.
Protein change: p.Gln328His; replaces glutamine 328 with histidine.
Molecular consequence: missense variant.
Genome position (GRCh38, 1-based): chr7:128,398,504, C>A on the plus strand (G>T on the coding strand, the complement: IMPDH1 is on the minus strand). VCF-style: chr7-128398504-C-A. GRCh37 (hg19) VCF-style: chr7-128038558-C-A.
Other names: c.954G>T, p.Gln318His (NM_001102605.2); c.729G>T, p.Gln243His (NM_001142573.2); c.714G>T, p.Gln238His (NM_001142574.2); c.654G>T, p.Gln218His (NM_001142575.2); c.885G>T, p.Gln295His (NM_001142576.2); c.777G>T, p.Gln259His (NM_001304521.2); c.876G>T, p.Gln292His (NM_183243.3); short protein forms Q218H, Q243H, Q318H, Q238H, Q259H, Q295H, Q328H, Q292H.
Identifiers: ClinVar variation 1388602 (VCV001388602.7), dbSNP rs886037911, ClinGen allele CA369168756.